The following is an entry in ClinVar:

NM_001376.5(DYNC1H1):c.5365C>G (p.Leu1789Val)

Gene: DYNC1H1 (dynein cytoplasmic 1 heavy chain 1; plus strand). Cytogenetic location: 14q32.31.
Variant type: single nucleotide variant.
Coding change: c.5365C>G on transcript NM_001376.5 (MANE Select); coding-DNA position 5365, C replaced by G.
Protein change: p.Leu1789Val; replaces leucine 1789 with valine.
Molecular consequence: missense variant.
Genome position (GRCh38, 1-based): chr14:102,005,168, C>G. VCF-style: chr14-102005168-C-G. GRCh37 (hg19) VCF-style: chr14-102471505-C-G.
Other names: short protein forms L1789V.
Identifiers: ClinVar variation 2715058 (VCV002715058.3), dbSNP rs1277912523, ClinGen allele CA391046784.
Genomic context (GRCh38, chr14:102,005,168, plus strand): 5'-ATGGGCGGAGGTGGAGATGCCGCGCCCTTGCACTCTGTGCTGAGCAATGTGGAGGTCACC[C>G]TCAATGTGTTAGCAGACTCTGTCCTCATGGAGCAGCCCCCACTCCGAAGGCGGAAGCTAG-3'
Protein context (NP_001367.2, residues 1779-1799): HSVLSNVEVT[Leu1789Val]NVLADSVLME

ClinVar aggregate classification (germline): Uncertain significance (1 of 4 stars; one submission).

Conditions:
Charcot-Marie-Tooth disease axonal type 2O. Also called: CHARCOT-MARIE-TOOTH NEUROPATHY, AXONAL, TYPE 2O; CHARCOT-MARIE-TOOTH DISEASE, AXONAL, AUTOSOMAL DOMINANT, TYPE 2O; Charcot-Marie-Tooth Neuropathy Type 2O; Charcot-Marie-Tooth disease, axonal, type 20. Identifiers: Orphanet 284232, MedGen C3280220, MONDO:0013644, OMIM 614228.

Allele frequency attached by ClinVar (database versions not stated): gnomAD exomes 0.00001.
gnomAD v4.1: 3 of 1,614,198 alleles (0.00019%); highest among the groups gnomAD compares: East Asian, 0.0045%; no homozygotes.

Submission:

Labcorp Genetics (formerly Invitae), Labcorp
Classification: Uncertain significance for Charcot-Marie-Tooth disease axonal type 2O. Last evaluated: 2024-09-18. Review status: criteria provided, single submitter. Criteria: Invitae Variant Classification Sherloc (09022015). Collection method: clinical testing. Allele origin: germline.
Comment: This sequence change replaces leucine, which is neutral and non-polar, with valine, which is neutral and non-polar, at codon 1789 of the DYNC1H1 protein (p.Leu1789Val). This variant is present in population databases (no rsID available, gnomAD 0.01%). This variant has not been reported in the literature in individuals affected with DYNC1H1-related conditions. Invitae Evidence Modeling of protein sequence and biophysical properties (such as structural, functional, and spatial information, amino acid conservation, physicochemical variation, residue mobility, and thermodynamic stability) indicates that this missense variant is expected to disrupt DYNC1H1 protein function with a positive predictive value of 80%. In summary, the available evidence is currently insufficient to determine the role of this variant in disease. Therefore, it has been classified as a Variant of Uncertain Significance.